The following is an entry in ClinVar:

NM_014055.4(IFT81):c.630G>A (p.Arg210=)

Gene: IFT81 (intraflagellar transport 81; plus strand). Cytogenetic location: 12q24.11.
Variant type: single nucleotide variant.
Coding change: c.630G>A on transcript NM_014055.4 (MANE Select); coding-DNA position 630, G replaced by A.
Protein change: p.Arg210=; no amino-acid change (arginine 210 retained).
Molecular consequence: synonymous variant. On other transcripts: 5 prime UTR variant (2), non-coding transcript variant (4).
Genome position (GRCh38, 1-based): chr12:110,135,371, G>A. VCF-style: chr12-110135371-G-A. GRCh37 (hg19) VCF-style: chr12-110573176-G-A.
Other names: c.630G>A, p.Arg210= (NM_001143779.2, NM_001347946.2, NM_031473.4); c.-137G>A (NM_001347947.2, NM_001347948.2); c.630G>A (NM_014055.3).
Identifiers: ClinVar variation 1564465 (VCV001564465.10), dbSNP rs1315743281, ClinGen allele CA481848345.

ClinVar aggregate classification (germline): Likely benign. Review status: criteria provided, multiple submitters, no conflicts (2 of 4 stars). 3 submissions from 3 submitters: Likely benign (3). Last evaluated 2026-03-12.

Conditions:
IFT81-related disorder. Also called: IFT81-related condition.

Allele frequency attached by ClinVar (database versions not stated): gnomAD exomes below 0.00001 and 0.00001.
gnomAD v4.1: 7 of 1,613,350 alleles (0.00043%); highest among the groups gnomAD compares: Non-Finnish European, 0.00059%; no homozygotes.

Submissions (3):

PreventionGenetics, part of Exact Sciences
Classification: Likely benign for IFT81-related condition. Last evaluated: 2026-03-12. Review status: criteria provided, single submitter. Criteria: ACMG Guidelines, 2015. Collection method: clinical testing. Allele origin: germline.
Comment: This variant is classified as likely benign based on ACMG/AMP sequence variant interpretation guidelines (Richards et al. 2015 PMID: 25741868, with internal and published modifications).

Blueprint Genetics
Classification: Likely benign. Last evaluated: 2024-08-23. Review status: criteria provided, single submitter. Criteria: ACMG Guidelines, 2015. Collection method: clinical testing. Allele origin: germline.

Labcorp Genetics (formerly Invitae), Labcorp
Classification: Likely benign. Last evaluated: 2021-10-12. Review status: criteria provided, single submitter. Criteria: Invitae Variant Classification Sherloc (09022015). Collection method: clinical testing. Allele origin: germline.